The following is an entry in ClinVar:

NM_012309.5(SHANK2):c.1287C>T (p.Ser429=)

Gene: SHANK2 (SH3 and multiple ankyrin repeat domains 2; minus strand). Cytogenetic location: 11q13.4.
Variant type: single nucleotide variant.
Coding change: c.1287C>T on transcript NM_012309.5 (MANE Select); coding-DNA position 1287, C replaced by T.
Protein change: p.Ser429=; no amino-acid change (serine 429 retained).
Molecular consequence: synonymous variant.
Genome position (GRCh38, 1-based): chr11:70,820,570, G>A on the plus strand (C>T on the coding strand, the complement: SHANK2 is on the minus strand). VCF-style: chr11-70820570-G-A. GRCh37 (hg19) VCF-style: chr11-70666675-G-A.
Other names: c.150C>T, p.Ser50= (NM_001379226.1).
Identifiers: ClinVar variation 2642098 (VCV002642098.24), dbSNP rs571788090, ClinGen allele CA6161851.

ClinVar aggregate classification (germline): Likely benign (1 of 4 stars; one submission).

Allele frequency attached by ClinVar (database versions not stated): TOPMed 0.00005; gnomAD 0.00011; 1000 Genomes Project 30x 0.00031; ExAC 0.00034; 1000 Genomes Project 0.00040.
gnomAD v4.1: 116 of 716,930 alleles (0.016%); highest among the groups gnomAD compares: South Asian, 0.093%; 1 homozygote.

Submission:

CeGaT Center for Human Genetics Tuebingen
Classification: Likely benign. Last evaluated: 2022-12-01. Review status: criteria provided, single submitter. Criteria: CeGaT Center For Human Genetics Tuebingen Variant Classification Criteria Version 2. Collection method: clinical testing. Allele origin: germline. Affected: yes. Observed: 1 variant allele.
Comment: SHANK2: BP4, BP7